The following is an entry in ClinVar:

ClinVar aggregate classification (germline): Uncertain significance. Review status: criteria provided, multiple submitters, no conflicts (2 of 4 stars). 4 submissions from 4 submitters: Uncertain significance (4). Last evaluated 2024-11-11.

Conditions:
Inborn genetic diseases. Identifiers: MedGen C0950123, MeSH D030342.
Isolated microphthalmia 5. Also called: Posterior Microphthalmia with Retinitis Pigmentosa, Foveoschisis, and Optic Disc Drusen. Identifiers: Orphanet 251279, MedGen C1970236, MONDO:0012605, OMIM 611040.

Allele frequency attached by ClinVar (database versions not stated): TOPMed 0.00012; gnomAD 0.00011 and 0.00013; gnomAD exomes 0.00007 and 0.00020; ExAC 0.00007; ESP Exome Variant Server 0.00008.
gnomAD v4.1: 307 of 1,613,298 alleles (0.019%); highest among the groups gnomAD compares: Non-Finnish European, 0.026%; no homozygotes.

Submissions (4):

Ambry Genetics
Classification: Uncertain significance for Inborn genetic diseases. Last evaluated: 2024-11-11. Review status: criteria provided, single submitter. Criteria: Ambry Variant Classification Scheme 2023. Collection method: clinical testing. Allele origin: germline.

Blueprint Genetics
Classification: Uncertain significance. Last evaluated: 2024-03-04. Review status: criteria provided, single submitter. Criteria: ACMG Guidelines, 2015. Collection method: clinical testing. Allele origin: germline.

Labcorp Genetics (formerly Invitae), Labcorp
Classification: Uncertain significance for Isolated microphthalmia 5. Last evaluated: 2022-10-17. Review status: criteria provided, single submitter. Criteria: Invitae Variant Classification Sherloc (09022015). Collection method: clinical testing. Allele origin: germline.
Comment: This sequence change replaces glutamine, which is neutral and polar, with histidine, which is basic and polar, at codon 514 of the MFRP protein (p.Gln514His). This variant is present in population databases (rs368172459, gnomAD 0.02%). This variant has not been reported in the literature in individuals affected with MFRP-related conditions. ClinVar contains an entry for this variant (Variation ID: 497432). Advanced modeling of protein sequence and biophysical properties (such as structural, functional, and spatial information, amino acid conservation, physicochemical variation, residue mobility, and thermodynamic stability) performed at Invitae indicates that this missense variant is not expected to disrupt MFRP protein function. In summary, the available evidence is currently insufficient to determine the role of this variant in disease. Therefore, it has been classified as a Variant of Uncertain Significance.

Eurofins Ntd Llc (ga)
Classification: Uncertain significance. Last evaluated: 2016-10-04. Review status: criteria provided, single submitter. Criteria: EGL Classification Definitions 2015. Collection method: clinical testing. Allele origin: germline. Observed: 1 variant allele, 1 heterozygote.

NM_031433.4(MFRP):c.1542G>C (p.Gln514His)

Genes: C1QTNF5 (C1q and TNF related 5; minus strand), MFRP (membrane frizzled-related protein; minus strand). Cytogenetic location: 11q23.3.
Variant type: single nucleotide variant.
Coding change: c.1542G>C on transcript NM_031433.4 (MANE Select); coding-DNA position 1542, G replaced by C.
Protein change: p.Gln514His; replaces glutamine 514 with histidine.
Molecular consequence: missense variant. On other transcripts: 5 prime UTR variant (1).
Genome position (GRCh38, 1-based): chr11:119,341,746, C>G on the plus strand (G>C on the coding strand, the complement: MFRP is on the minus strand). VCF-style: chr11-119341746-C-G. GRCh37 (hg19) VCF-style: chr11-119212456-C-G.
Other names: c.-1095G>C (NM_015645.5); short protein forms Q514H.
Identifiers: ClinVar variation 497432 (VCV000497432.14), dbSNP rs368172459, ClinGen allele CA6320063.
Genomic context (GRCh38, chr11:119,341,746, plus strand): 5'-AACACTGCCTAGTGGGGTGCAACGGGGCACAAGCAGCCCACACAGGAGCCTCCGGAAATG[C>G]TGGTAGCAGGGCAGGCTTGTCAGGCTCTGCGGAGGGAGAGTGGCCTTCAGGCACCTGCTC-3'
Protein context (NP_113621.1, residues 504-524): YKSLTSLPCY[Gln514His]HFRRLLCGLL